The following is an entry in ClinVar:

ClinVar aggregate classification (germline): Pathogenic (1 of 4 stars; one submission).

Conditions:
Developmental and epileptic encephalopathy, 34 (DEE34). Also called: Early infantile epileptic encephalopathy 34; SLC12A5-Related Epilepsy of Infancy with Migrating Focal Seizures. Identifiers: Orphanet 293181, MedGen C4225257, MONDO:0014718, OMIM 616645.

Submission:

Labcorp Genetics (formerly Invitae), Labcorp
Classification: Pathogenic for Developmental and epileptic encephalopathy, 34. Last evaluated: 2021-07-26. Review status: criteria provided, single submitter. Criteria: Invitae Variant Classification Sherloc (09022015). Collection method: clinical testing. Allele origin: germline.
Comment: This sequence change creates a premature translational stop signal (p.His768Glnfs*25) in the SLC12A5 gene. It is expected to result in an absent or disrupted protein product. Loss-of-function variants in SLC12A5 are known to be pathogenic (PMID: 26333769, 27436767). For these reasons, this variant has been classified as Pathogenic. This variant has not been reported in the literature in individuals affected with SLC12A5-related conditions. This variant is not present in population databases (ExAC no frequency).

Literature cited by the submitters: PubMed 26333769; PubMed 27436767.

NM_020708.5(SLC12A5):c.2301_2302del (p.His768fs)

Gene: SLC12A5 (solute carrier family 12 member 5; plus strand). Cytogenetic location: 20q13.12.
Variant type: Deletion.
Coding change: c.2301_2302del on transcript NM_020708.5 (MANE Select); coding-DNA positions 2301 to 2302, 2 bases deleted (GC; older notation c.2301_2302delGC).
Protein change: p.His768fs; shifts the reading frame from histidine 768.
Molecular consequence: frameshift variant.
Genome position (GRCh38, 1-based): chr20:46,051,794-46,051,795, GC deleted. VCF-style (leftmost placement, unchanged base first): chr20-46051793-AGC-A. GRCh37 (hg19) VCF-style: chr20-44680432-AGC-A.
Other names: c.2370_2371del, p.His791fs (NM_001134771.2); short protein forms H768fs, H791fs.
Identifiers: ClinVar variation 1364059 (VCV001364059.6), dbSNP rs2145502127, ClinGen allele CA2573157117.